The following is an entry in ClinVar:

NM_000051.4(ATM):c.869A>C (p.His290Pro)

Gene: ATM (ATM serine/threonine kinase; plus strand). Cytogenetic location: 11q22.3.
Variant type: single nucleotide variant.
Coding change: c.869A>C on transcript NM_000051.4 (MANE Select); coding-DNA position 869, A replaced by C.
Protein change: p.His290Pro; replaces histidine 290 with proline.
Molecular consequence: missense variant.
Genome position (GRCh38, 1-based): chr11:108,244,994, A>C. VCF-style: chr11-108244994-A-C. GRCh37 (hg19) VCF-style: chr11-108115721-A-C.
Other names: c.869A>C, p.His290Pro (NM_001351834.2); short protein forms H290P.
Identifiers: ClinVar variation 1354788 (VCV001354788.8), dbSNP rs2135243301, ClinGen allele CA382529525.

ClinVar aggregate classification (germline): Uncertain significance (1 of 4 stars; one submission).

Conditions:
Ataxia-telangiectasia syndrome (AT). Also called: ATAXIA-TELANGIECTASIA, COMPLEMENTATION GROUP A; ATAXIA-TELANGIECTASIA, FRESNO VARIANT; Ataxia-telangiectasia; Ataxia-telangiectasia, complementation group D; Ataxia-telangiectasia, complementation group E; Ataxia telangiectasia (A-T). Identifiers: Orphanet 100, MedGen C0004135, MONDO:0008840, OMIM 208900.

Submission:

Labcorp Genetics (formerly Invitae), Labcorp
Classification: Uncertain significance for Ataxia-telangiectasia syndrome. Last evaluated: 2025-05-12. Review status: criteria provided, single submitter. Criteria: Invitae Variant Classification Sherloc (09022015). Collection method: clinical testing. Allele origin: germline.
Comment: This sequence change replaces histidine, which is basic and polar, with proline, which is neutral and non-polar, at codon 290 of the ATM protein (p.His290Pro). This variant is not present in population databases (gnomAD no frequency). This variant has not been reported in the literature in individuals affected with ATM-related conditions. ClinVar contains an entry for this variant (Variation ID: 1354788). Invitae Evidence Modeling of protein sequence and biophysical properties (such as structural, functional, and spatial information, amino acid conservation, physicochemical variation, residue mobility, and thermodynamic stability) indicates that this missense variant is not expected to disrupt ATM protein function with a negative predictive value of 95%. In summary, the available evidence is currently insufficient to determine the role of this variant in disease. Therefore, it has been classified as a Variant of Uncertain Significance.